The following is an entry in ClinVar:

ClinVar aggregate classification (germline): Uncertain significance (1 of 4 stars; one submission).

Conditions:
Temtamy syndrome (TEMTYS). Also called: MENTAL RETARDATION WITH OR WITHOUT CRANIOFACIAL DYSMORPHISM, OCULAR COLOBOMA, OR ABNORMAL CORPUS CALLOSUM. Identifiers: Orphanet 1777, MedGen C1857512, MONDO:0009033, OMIM 218340.

Submission:

Labcorp Genetics (formerly Invitae), Labcorp
Classification: Uncertain significance for Temtamy syndrome. Last evaluated: 2019-09-10. Review status: criteria provided, single submitter. Criteria: Invitae Variant Classification Sherloc (09022015). Collection method: clinical testing. Allele origin: germline.
Comment: In summary, the available evidence is currently insufficient to determine the role of this variant in disease. Therefore, it has been classified as a Variant of Uncertain Significance. Algorithms developed to predict the effect of missense changes on protein structure and function are either unavailable or do not agree on the potential impact of this missense change (SIFT: "Tolerated"; PolyPhen-2: "Probably Damaging"; Align-GVGD: "Class C0"). This variant has not been reported in the literature in individuals with C12orf57-related conditions. This variant is not present in population databases (ExAC no frequency). This sequence change replaces glycine with alanine at codon 75 of the C12orf57 protein (p.Gly75Ala). The glycine residue is highly conserved and there is a small physicochemical difference between glycine and alanine.

NM_138425.4(C12orf57):c.224G>C (p.Gly75Ala)

Gene: C12orf57 (chromosome 12 open reading frame 57; plus strand). Cytogenetic location: 12p13.31.
Variant type: single nucleotide variant.
Coding change: c.224G>C on transcript NM_138425.4 (MANE Select); coding-DNA position 224, G replaced by C.
Protein change: p.Gly75Ala; replaces glycine 75 with alanine.
Molecular consequence: missense variant. On other transcripts: intron variant (1).
Genome position (GRCh38, 1-based): chr12:6,944,647, G>C. VCF-style: chr12-6944647-G-C. GRCh37 (hg19) VCF-style: chr12-7053810-G-C.
Other names: c.224G>C, p.Gly75Ala (NM_001301834.1); c.185G>C, p.Gly62Ala (NM_001301836.2); c.119G>C, p.Gly40Ala (NM_001301838.2); c.142+82G>C (NM_001301837.2); short protein forms G75A, G40A, G62A.
Identifiers: ClinVar variation 934619 (VCV000934619.9), dbSNP rs1945749389, ClinGen allele CA383744848.
Genomic context (GRCh38, chr12:6,944,647, plus strand): 5'-TGCCCGTGGCCACGCAGATCCAGCAGGAGGTTATCAAAGCCTATGGCTTCAGCTGCGACG[G>C]GGAAGGTGGGTCAGACGCGGGAAGGCGGGTCAGACGCGGGAAGGCGGGAGTTGGGTCGGG-3'
Protein context (NP_612434.1, residues 65-85): VIKAYGFSCD[Gly75Ala]EGVLKFARLV